The following is an entry in ClinVar:

ClinVar aggregate classification (germline): Uncertain significance. Review status: criteria provided, multiple submitters, no conflicts (2 of 4 stars). 2 submissions from 2 submitters: Uncertain significance (2). Last evaluated 2025-09-08.

Allele frequency attached by ClinVar (database versions not stated): gnomAD 0.00001; gnomAD exomes 0.00001; TOPMed 0.00001.
gnomAD v4.1: 13 of 1,613,980 alleles (0.00081%); highest among the groups gnomAD compares: Non-Finnish European, 0.0011%; no homozygotes.

Submissions (2):

Labcorp Genetics (formerly Invitae), Labcorp
Classification: Uncertain significance. Last evaluated: 2025-09-08. Review status: criteria provided, single submitter. Criteria: Invitae Variant Classification Sherloc (09022015). Collection method: clinical testing. Allele origin: germline.
Comment: This sequence change replaces glycine, which is neutral and non-polar, with cysteine, which is neutral and slightly polar, at codon 80 of the CNNM4 protein (p.Gly80Cys). This variant is present in population databases (no rsID available, gnomAD 0.002%). This variant has not been reported in the literature in individuals affected with CNNM4-related conditions. ClinVar contains an entry for this variant (Variation ID: 967194). Invitae Evidence Modeling of protein sequence and biophysical properties (such as structural, functional, and spatial information, amino acid conservation, physicochemical variation, residue mobility, and thermodynamic stability) indicates that this missense variant is expected to disrupt CNNM4 protein function with a positive predictive value of 80%. In summary, the available evidence is currently insufficient to determine the role of this variant in disease. Therefore, it has been classified as a Variant of Uncertain Significance.

Blueprint Genetics
Classification: Uncertain significance. Last evaluated: 2024-10-09. Review status: criteria provided, single submitter. Criteria: ACMG Guidelines, 2015. Collection method: clinical testing. Allele origin: germline.

NM_020184.4(CNNM4):c.238G>T (p.Gly80Cys)

Gene: CNNM4 (cyclin and CBS domain divalent metal cation transport mediator 4; plus strand). Cytogenetic location: 2q11.2.
Variant type: single nucleotide variant.
Coding change: c.238G>T on transcript NM_020184.4 (MANE Select); coding-DNA position 238, G replaced by T.
Protein change: p.Gly80Cys; replaces glycine 80 with cysteine.
Molecular consequence: missense variant.
Genome position (GRCh38, 1-based): chr2:96,761,237, G>T. VCF-style: chr2-96761237-G-T. GRCh37 (hg19) VCF-style: chr2-97426974-G-T.
Other names: short protein forms G80C.
Identifiers: ClinVar variation 967194 (VCV000967194.9), dbSNP rs1231035201, ClinGen allele CA347712552.